The following is an entry in ClinVar:

NM_001162501.2(TNRC6B):c.544A>G (p.Asn182Asp)

Gene: TNRC6B (trinucleotide repeat containing adaptor 6B; plus strand). Cytogenetic location: 22q13.1.
Variant type: single nucleotide variant.
Coding change: c.544A>G on transcript NM_001162501.2 (MANE Select); coding-DNA position 544, A replaced by G.
Protein change: p.Asn182Asp; replaces asparagine 182 with aspartic acid.
Molecular consequence: missense variant. On other transcripts: intron variant (1).
Genome position (GRCh38, 1-based): chr22:40,264,774, A>G. VCF-style: chr22-40264774-A-G. GRCh37 (hg19) VCF-style: chr22-40660778-A-G.
Other names: c.544A>G, p.Asn182Asp (NM_015088.3); c.565+2601A>G (NM_001024843.2); short protein forms N182D.
Identifiers: ClinVar variation 3602306 (VCV003602306.1).

ClinVar aggregate classification (germline): Uncertain significance (1 of 4 stars; one submission).

Submission:

GeneDx
Classification: Uncertain significance. Last evaluated: 2024-07-24. Review status: criteria provided, single submitter. Criteria: GeneDx Variant Classification Process June 2021. Collection method: clinical testing. Allele origin: germline. Affected: yes.
Comment: Not observed at significant frequency in large population cohorts (gnomAD); In silico analysis indicates that this missense variant does not alter protein structure/function; Has not been previously published as pathogenic or benign to our knowledge